The following is an entry in ClinVar:

ClinVar aggregate classification (germline): Likely benign. Review status: criteria provided, multiple submitters, no conflicts (2 of 4 stars). 3 submissions from 3 submitters: Likely benign (3). Last evaluated 2026-05-22.

Conditions:
BEST1-related disorder. Also called: BEST1-related disorders; BEST1-related condition. Identifiers: MedGen CN239200.

Allele frequency attached by ClinVar (database versions not stated): ExAC below 0.00001; gnomAD 0.00001; TOPMed 0.00003.
gnomAD v4.1: 47 of 1,487,078 alleles (0.0032%); highest among the groups gnomAD compares: Non-Finnish European, 0.0039%; no homozygotes.

Submissions (3):

PreventionGenetics, part of Exact Sciences
Classification: Likely benign for BEST1-related condition. Last evaluated: 2026-05-22. Review status: criteria provided, single submitter. Criteria: ACMG Guidelines, 2015. Collection method: clinical testing. Allele origin: germline.
Comment: This variant is classified as likely benign based on ACMG/AMP sequence variant interpretation guidelines (Richards et al. 2015 PMID: 25741868, with internal and published modifications).

CeGaT Center for Human Genetics Tuebingen
Classification: Likely benign. Last evaluated: 2020-07-01. Review status: criteria provided, single submitter. Criteria: CeGaT Center For Human Genetics Tuebingen Variant Classification Criteria Version 2. Collection method: clinical testing. Allele origin: germline. Affected: yes. Observed: 1 variant allele.

Blueprint Genetics
Classification: Likely benign. Last evaluated: 2020-05-19. Review status: criteria provided, single submitter. Criteria: ACMG Guidelines, 2015. Collection method: clinical testing. Allele origin: germline.

NM_004183.4(BEST1):c.1739+181G>C

Gene: BEST1 (bestrophin 1; plus strand). Cytogenetic location: 11q12.3.
Variant type: single nucleotide variant.
Coding change: c.1739+181G>C on transcript NM_004183.4 (MANE Select); 181 bases into the intron after coding-DNA position 1739, G replaced by C.
Molecular consequence: intron variant. On other transcripts: synonymous variant (3).
Genome position (GRCh38, 1-based): chr11:61,963,074, G>C. VCF-style: chr11-61963074-G-C. GRCh37 (hg19) VCF-style: chr11-61730546-G-C.
Other names: c.1740G>C (NM_001139443.1); c.1740G>C, p.Gly580= (NM_001139443.3); c.1602G>C, p.Gly534= (NM_001363591.3); c.*815G>C (NM_001363592.2); c.948G>C, p.Gly316= (NM_001363593.3); c.1559+181G>C (NM_001300787.2); c.1478+181G>C (NM_001300786.2).
Identifiers: ClinVar variation 1012575 (VCV001012575.40), dbSNP rs753857645, ClinGen allele CA6041143.